The following is an entry in ClinVar:

NM_018060.4(IARS2):c.2201T>C (p.Leu734Ser)

Gene: IARS2 (isoleucyl-tRNA synthetase 2, mitochondrial; plus strand). Cytogenetic location: 1q41.
Variant type: single nucleotide variant.
Coding change: c.2201T>C on transcript NM_018060.4 (MANE Select); coding-DNA position 2201, T replaced by C.
Protein change: p.Leu734Ser; replaces leucine 734 with serine.
Molecular consequence: missense variant.
Genome position (GRCh38, 1-based): chr1:220,139,033, T>C. VCF-style: chr1-220139033-T-C. GRCh37 (hg19) VCF-style: chr1-220312375-T-C.
Other names: short protein forms L734S.
Identifiers: ClinVar variation 1929629 (VCV001929629.4), dbSNP rs1242914584, ClinGen allele CA344614721.
Genomic context (GRCh38, chr1:220,139,033, plus strand): 5'-TTTTTTAACTGCATATTTTTTCTTCCTATGAATAGCTTAGGAATACACTTCGCTTTCTTT[T>C]GGGAAATGTGGCTGATTTCAACCCAGAAACAGATTCCATCCCTGTAAACGATATGTATGT-3'
Protein context (NP_060530.3, residues 724-744): SKLRNTLRFL[Leu734Ser]GNVADFNPET

ClinVar aggregate classification (germline): Uncertain significance (1 of 4 stars; one submission).

Allele frequency attached by ClinVar (database versions not stated): gnomAD exomes 0.00001.
gnomAD v4.1: 3 of 1,613,738 alleles (0.00019%); highest among the groups gnomAD compares: Non-Finnish European, 0.00025%; no homozygotes.

Submission:

Labcorp Genetics (formerly Invitae), Labcorp
Classification: Uncertain significance. Last evaluated: 2025-05-12. Review status: criteria provided, single submitter. Criteria: Invitae Variant Classification Sherloc (09022015). Collection method: clinical testing. Allele origin: germline.
Comment: This sequence change replaces leucine, which is neutral and non-polar, with serine, which is neutral and polar, at codon 734 of the IARS2 protein (p.Leu734Ser). This variant is present in population databases (no rsID available, gnomAD 0.007%). This variant has not been reported in the literature in individuals affected with IARS2-related conditions. ClinVar contains an entry for this variant (Variation ID: 1929629). An algorithm developed to predict the effect of missense changes on protein structure and function (PolyPhen-2) suggests that this variant is likely to be disruptive. In summary, the available evidence is currently insufficient to determine the role of this variant in disease. Therefore, it has been classified as a Variant of Uncertain Significance.